The following is an entry in ClinVar:

NM_004371.4(COPA):c.2177G>A (p.Arg726Lys)

Gene: COPA (coat protein complex I subunit alpha; minus strand). Cytogenetic location: 1q23.2.
Variant type: single nucleotide variant.
Coding change: c.2177G>A on transcript NM_004371.4 (MANE Select); coding-DNA position 2177, G replaced by A.
Protein change: p.Arg726Lys; replaces arginine 726 with lysine.
Molecular consequence: missense variant.
Genome position (GRCh38, 1-based): chr1:160,297,429, C>T on the plus strand (G>A on the coding strand, the complement: COPA is on the minus strand). VCF-style: chr1-160297429-C-T. GRCh37 (hg19) VCF-style: chr1-160267219-C-T.
Other names: c.2204G>A, p.Arg735Lys (NM_001098398.2); short protein forms R726K, R735K.
Identifiers: ClinVar variation 1464384 (VCV001464384.8), dbSNP rs2101827483, ClinGen allele CA343278747.

ClinVar aggregate classification (germline): Uncertain significance (1 of 4 stars; one submission).

Conditions:
Autoimmune interstitial lung disease-arthritis syndrome. Also called: Autoinflammation and autoimmunity, systemic, with immune dysregulation. Identifiers: Orphanet 444092, MedGen C5975714, MONDO:0014629.

Submission:

Labcorp Genetics (formerly Invitae), Labcorp
Classification: Uncertain significance for Autoimmune interstitial lung disease-arthritis syndrome. Last evaluated: 2021-03-08. Review status: criteria provided, single submitter. Criteria: Invitae Variant Classification Sherloc (09022015). Collection method: clinical testing. Allele origin: germline.
Comment: This sequence change replaces arginine with lysine at codon 726 of the COPA protein (p.Arg726Lys). The arginine residue is highly conserved and there is a small physicochemical difference between arginine and lysine. This variant is not present in population databases (ExAC no frequency). This variant has not been reported in the literature in individuals with COPA-related conditions. Advanced modeling of protein sequence and biophysical properties (such as structural, functional, and spatial information, amino acid conservation, physicochemical variation, residue mobility, and thermodynamic stability) performed at Invitae indicates that this missense variant is not expected to disrupt COPA protein function. In summary, the available evidence is currently insufficient to determine the role of this variant in disease. Therefore, it has been classified as a Variant of Uncertain Significance.